The following is an entry in ClinVar:

ClinVar aggregate classification (germline): Benign. Review status: criteria provided, multiple submitters, no conflicts (2 of 4 stars). 5 submissions from 5 submitters: Benign (4). 1 of the submissions does not count toward it. Last evaluated 2026-01-28.

Conditions:
TBCD-related disorder. Also called: TBCD-related condition.

Allele frequency attached by ClinVar (database versions not stated): gnomAD exomes 0.00177 and 0.00437; ExAC 0.00541; ESP Exome Variant Server 0.01770; gnomAD 0.01794 and 0.01920; TOPMed 0.02058; 1000 Genomes Project 0.02436; 1000 Genomes Project 30x 0.02436.
gnomAD v4.1: 5,448 of 1,613,954 alleles (0.34%); highest among the groups gnomAD compares: African/African-American, 6.2%; 167 homozygotes.

Submissions (5):

Labcorp Genetics (formerly Invitae), Labcorp
Classification: Benign. Last evaluated: 2026-01-28. Review status: criteria provided, single submitter. Criteria: Invitae Variant Classification Sherloc (09022015). Collection method: clinical testing. Allele origin: germline.

Mayo Clinic Laboratories, Mayo Clinic
Classification: Benign. Last evaluated: 2023-06-06. Review status: criteria provided, single submitter. Criteria: ACMG Guidelines, 2015. Collection method: clinical testing. Allele origin: germline. Observed: 5 variant alleles.

GeneDx
Classification: Benign. Last evaluated: 2021-05-05. Review status: criteria provided, single submitter. Criteria: GeneDx Variant Classification Process June 2021. Collection method: clinical testing. Allele origin: germline. Affected: yes.

Breakthrough Genomics
Classification: Benign. Review status: criteria provided, single submitter. Criteria: ACMG Guidelines, 2015. Collection method: not provided. Allele origin: germline. Inheritance: Autosomal recessive inheritance. Affected: yes.

PreventionGenetics, part of Exact Sciences
Classification: Benign for TBCD-related condition. Last evaluated: 2019-03-14. Review status: no assertion criteria provided. Collection method: clinical testing. Allele origin: germline. Not counted in ClinVar's aggregate classification.
Comment: This variant is classified as benign based on ACMG/AMP sequence variant interpretation guidelines (Richards et al. 2015 PMID: 25741868, with internal and published modifications).

NM_005993.5(TBCD):c.3066C>T (p.Phe1022=)

Gene: TBCD (tubulin folding cofactor D). Cytogenetic location: 17q25.3.
Variant type: single nucleotide variant.
Coding change: c.3066C>T on transcript NM_005993.5 (MANE Select); coding-DNA position 3066, C replaced by T.
Protein change: p.Phe1022=; no amino-acid change (phenylalanine 1022 retained).
Molecular consequence: synonymous variant.
Genome position (GRCh38, 1-based): chr17:82,930,596, C>T. VCF-style: chr17-82930596-C-T. GRCh37 (hg19) VCF-style: chr17-80888472-C-T.
Other names: p.Phe1022=.
Identifiers: ClinVar variation 786659 (VCV000786659.16), dbSNP rs35845235, ClinGen allele CA8863379.